The following is an entry in ClinVar:

NM_001382391.1(CSPP1):c.403C>T (p.Arg135Cys)

Gene: CSPP1 (centrosome and spindle pole associated protein 1; plus strand). Cytogenetic location: 8q13.1.
Variant type: single nucleotide variant.
Coding change: c.403C>T on transcript NM_001382391.1 (MANE Select); coding-DNA position 403, C replaced by T.
Protein change: p.Arg135Cys; replaces arginine 135 with cysteine.
Molecular consequence: missense variant. On other transcripts: 5 prime UTR variant (1).
Genome position (GRCh38, 1-based): chr8:67,093,561, C>T. VCF-style: chr8-67093561-C-T. GRCh37 (hg19) VCF-style: chr8-68005796-C-T.
Other names: c.-453C>T (NM_001291339.2); c.322C>T, p.Arg108Cys (NM_001363131.2, NM_001363133.2); c.403C>T, p.Arg135Cys (NM_001363132.2); c.511C>T, p.Arg171Cys (NM_001364869.1); c.430C>T, p.Arg144Cys (NM_001364870.1, NM_024790.7); short protein forms R144C, R108C, R135C, R171C.
Identifiers: ClinVar variation 2081205 (VCV002081205.2), dbSNP rs374898693, ClinGen allele CA4770283.

ClinVar aggregate classification (germline): Uncertain significance (1 of 4 stars; one submission).

Conditions:
Joubert syndrome 21 (JBTS21). Identifiers: MedGen C3810212, MONDO:0014288, OMIM 615636.

Allele frequency attached by ClinVar (database versions not stated): ExAC 0.00002; ESP Exome Variant Server 0.00017; TOPMed 0.00002; gnomAD 0.00001.
gnomAD v4.1: 80 of 1,604,422 alleles (0.005%); highest among the groups gnomAD compares: Non-Finnish European, 0.0059%; no homozygotes.

Submission:

Labcorp Genetics (formerly Invitae), Labcorp
Classification: Uncertain significance for Joubert syndrome 21. Last evaluated: 2025-09-01. Review status: criteria provided, single submitter. Criteria: Invitae Variant Classification Sherloc (09022015). Collection method: clinical testing. Allele origin: germline.
Comment: This sequence change replaces arginine, which is basic and polar, with cysteine, which is neutral and slightly polar, at codon 144 of the CSPP1 protein (p.Arg144Cys). This variant is present in population databases (rs374898693, gnomAD 0.01%). This variant has not been reported in the literature in individuals affected with CSPP1-related conditions. ClinVar contains an entry for this variant (Variation ID: 2081205). An algorithm developed to predict the effect of missense changes on protein structure and function (PolyPhen-2) suggests that this variant is likely to be disruptive. In summary, the available evidence is currently insufficient to determine the role of this variant in disease. Therefore, it has been classified as a Variant of Uncertain Significance.